The following is an entry in ClinVar:

ClinVar aggregate classification (germline): Benign (1 of 4 stars; one submission).

Conditions:
Familial cancer of breast. Also called: BREAST CANCER, FAMILIAL; Hereditary breast cancer; hereditary breast carcinoma. Identifiers: Orphanet 227535, MedGen C0346153, MONDO:0016419, OMIM 114480. Disease mechanism: loss of function.

Submission:

Myriad Genetics, Inc.
Classification: Benign for Familial cancer of breast. Last evaluated: 2024-04-23. Review status: criteria provided, single submitter. Criteria: Myriad Autosomal Dominant, Autosomal Recessive and X-Linked Classification Criteria (2023). Collection method: clinical testing. Allele origin: unknown.
Comment: This variant is considered benign. This variant is a silent/synonymous amino acid change and it is not expected to impact splicing.

NM_000051.4(ATM):c.753G>T (p.Val251=)

Gene: ATM (ATM serine/threonine kinase; plus strand). Cytogenetic location: 11q22.3.
Variant type: single nucleotide variant.
Coding change: c.753G>T on transcript NM_000051.4 (MANE Select); coding-DNA position 753, G replaced by T.
Protein change: p.Val251=; no amino-acid change (valine 251 retained).
Molecular consequence: synonymous variant.
Genome position (GRCh38, 1-based): chr11:108,244,878, G>T. VCF-style: chr11-108244878-G-T. GRCh37 (hg19) VCF-style: chr11-108115605-G-T.
Other names: c.753G>T, p.Val251= (NM_001351834.2).
Identifiers: ClinVar variation 3254282 (VCV003254282.1), dbSNP rs876658806.